The following is an entry in ClinVar:

ClinVar aggregate classification (germline): Pathogenic. Review status: criteria provided, multiple submitters, no conflicts (2 of 4 stars). 3 submissions from 3 submitters: Pathogenic (3). Last evaluated 2024-12-25.

Conditions:
Hereditary cancer-predisposing syndrome. Also called: Neoplastic Syndromes, Hereditary; Hereditary Cancer Syndrome; Tumor predisposition; Hereditary neoplastic syndrome. Identifiers: Orphanet 140162, MedGen C0027672, MeSH D009386, MONDO:0015356.
Retinoblastoma (RB1). Also called: RETINOBLASTOMA, SOMATIC. Identifiers: Orphanet 790, MedGen C0035335, MeSH D012175, MONDO:0008380, OMIM 180200, HP:0009919. Disease mechanism: loss of function. Inheritance: Both sporadic and heritable forms are tested..

Submissions (3):

Labcorp Genetics (formerly Invitae), Labcorp
Classification: Pathogenic for Retinoblastoma. Last evaluated: 2024-12-25. Review status: criteria provided, single submitter. Criteria: Invitae Variant Classification Sherloc (09022015). Collection method: clinical testing. Allele origin: germline.
Comment: This sequence change creates a premature translational stop signal (p.Arg73Serfs*36) in the RB1 gene. It is expected to result in an absent or disrupted protein product. Loss-of-function variants in RB1 are known to be pathogenic (PMID: 17096365). This variant is not present in population databases (gnomAD no frequency). This premature translational stop signal has been observed in individual(s) with retinoblastoma (PMID: 12541220, 15884040). This variant is also known as 350delGA or g.5497delAG. ClinVar contains an entry for this variant (Variation ID: 126844). For these reasons, this variant has been classified as Pathogenic.

Genetic Diagnostic Laboratory, University of Pennsylvania School of Medicine
Classification: Pathogenic for Retinoblastoma. Last evaluated: 2024-05-20. Review status: criteria provided, single submitter. Criteria: ACMG Guidelines, 2015. Collection method: clinical testing. Allele origin: germline. Affected: yes. Observed: 1 variant allele.
Comment: Case and Pedigree Information: BILATERAL CASES:1, UNILATERAL CASES:0, TOTAL CASES:1, PEDIGREES:1. ACMG Codes Applied:PVS1, PM2

Ambry Genetics
Classification: Pathogenic for Hereditary cancer-predisposing syndrome. Last evaluated: 2015-12-10. Review status: criteria provided, single submitter. Criteria: Ambry Variant Classification Scheme 2023. Collection method: clinical testing. Allele origin: germline.
Comment: The c.219_220delAG pathogenic mutation, located in coding exon 2 of the RB1 gene, results from a deletion of two nucleotides at positions 219 and 220, causing a translational frameshift with a predicted alternate stop codon. This alteration (designated as 350delGA) has been previously identified in one individual with retinoblastoma (Richter S, Am. J. Hum. Genet. 2003 Feb; 72(2):253-69). In addition to the clinical data presented in the literature, since frameshifts are typically deleterious in nature, this alteration is interpreted as a disease-causing mutation (ACMG Recommendations for Standards for Interpretation and Reporting of Sequence Variations. Revision 2007. Genet Med. 2008;10:294).

Literature cited by the submitters: PubMed 17096365 (cited by Labcorp Genetics (formerly Invitae), Labcorp); PubMed 12541220 (cited by Labcorp Genetics (formerly Invitae), Labcorp and Ambry Genetics); PubMed 15884040 (cited by Labcorp Genetics (formerly Invitae), Labcorp).

NM_000321.3(RB1):c.219_220del (p.Arg73fs)

Gene: RB1 (RB transcriptional corepressor 1; plus strand). Cytogenetic location: 13q14.2.
Variant type: Microsatellite.
Coding change: c.219_220del on transcript NM_000321.3 (MANE Select); coding-DNA positions 219 to 220, 2 bases deleted (AG; older notation c.219_220delAG).
Protein change: p.Arg73fs; shifts the reading frame from arginine 73.
Molecular consequence: frameshift variant.
Genome position (GRCh38, 1-based): chr13:48,307,361-48,307,362, AG deleted; deleting any 2 consecutive bases within chr13:48,307,353-48,307,362 gives the same sequence; the c. name uses the placement nearest the transcript's 3' end. VCF-style (leftmost placement, unchanged base first): chr13-48307352-CAG-C. GRCh37 (hg19) VCF-style: chr13-48881488-CAG-C.
Other names: L11910:g.5505_5506delAG; c.219_220delAG (NM_000321.2); short protein forms R73fs.
Identifiers: ClinVar variation 126844 (VCV000126844.17), dbSNP rs587778862, ClinGen allele CA026426.